The following is an entry in ClinVar:

NM_020911.2(PLXNA4):c.648C>T (p.Tyr216=)

Gene: PLXNA4 (plexin A4; minus strand). Cytogenetic location: 7q32.3.
Variant type: single nucleotide variant.
Coding change: c.648C>T on transcript NM_020911.2 (MANE Select); coding-DNA position 648, C replaced by T.
Protein change: p.Tyr216=; no amino-acid change (tyrosine 216 retained).
Molecular consequence: synonymous variant.
Genome position (GRCh38, 1-based): chr7:132,508,046, G>A on the plus strand (C>T on the coding strand, the complement: PLXNA4 is on the minus strand). VCF-style: chr7-132508046-G-A. GRCh37 (hg19) VCF-style: chr7-132192805-G-A.
Other names: c.648C>T, p.Tyr216= (NM_001105543.2, NM_001393897.1, NM_181775.4).
Identifiers: ClinVar variation 3351294 (VCV003351294.1).

ClinVar aggregate classification (germline): Likely benign (0 of 4 stars; one submission).

Conditions:
PLXNA4-related disorder. Also called: PLXNA4-related condition.

gnomAD v4.1: 58 of 1,614,112 alleles (0.0036%); highest among the groups gnomAD compares: South Asian, 0.0066%; no homozygotes.

Submission:

PreventionGenetics, part of Exact Sciences
Classification: Likely benign for PLXNA4-related condition. Last evaluated: 2022-09-13. Review status: no assertion criteria provided. Collection method: clinical testing. Allele origin: germline.
Comment: This variant is classified as likely benign based on ACMG/AMP sequence variant interpretation guidelines (Richards et al. 2015 PMID: 25741868, with internal and published modifications).